The following is an entry in ClinVar:

ClinVar aggregate classification (germline): Benign/Likely benign. Review status: criteria provided, multiple submitters, no conflicts (2 of 4 stars). 17 submissions from 16 submitters: Benign (13); Likely benign (1). 3 of the submissions do not count toward it. Last evaluated 2026-02-04.

Conditions:
WFS1-Related Spectrum Disorders.
Autosomal dominant nonsyndromic hearing loss 6 (LFSNHL). Also called: Autosomal dominant nonsyndromic deafness 6; DEAFNESS, AUTOSOMAL DOMINANT 6; DEAFNESS, AUTOSOMAL DOMINANT 14; DEAFNESS, AUTOSOMAL DOMINANT 38. Identifiers: Orphanet 90635, MedGen C1833021, MONDO:0010963, OMIM 600965.
Type 2 diabetes mellitus. Also called: Type II diabetes mellitus. Identifiers: MedGen C0011860, MeSH D003924, MONDO:0005148, OMIM 125853, HP:0005978.
Cataract 41 (CTRCT41). Also called: CATARACT 41, CONGENITAL NUCLEAR TYPE. Identifiers: Orphanet 91492, Orphanet 98991, Orphanet 98992, Orphanet 98995, MedGen C3805412, MONDO:0007287, OMIM 116400.
Wolfram syndrome 1 (WFS1). Identifiers: Orphanet 3463, MedGen C4551693, MONDO:0009101, OMIM 222300.
Wolfram-like syndrome. Also called: HEARING LOSS, PROGRESSIVE, WITH OPTIC ATROPHY AND/OR IMPAIRED GLUCOSE REGULATION. Identifiers: Orphanet 411590, MedGen C3280358, MONDO:0013673, OMIM 614296.

Allele frequency attached by ClinVar (database versions not stated): gnomAD exomes 0.74237 and 0.78118; ExAC 0.78180; gnomAD 0.80149 and 0.80536; ESP Exome Variant Server 0.79932; TOPMed 0.81962; 1000 Genomes Project 0.88438; 1000 Genomes Project 30x 0.88632.
gnomAD v4.1: 1,209,355 of 1,613,806 alleles (75%); highest among the groups gnomAD compares: East Asian, 100%; 457,955 homozygotes.

Submissions (17):

Labcorp Genetics (formerly Invitae), Labcorp
Classification: Benign. Last evaluated: 2026-02-04. Review status: criteria provided, single submitter. Criteria: Invitae Variant Classification Sherloc (09022015). Collection method: clinical testing. Allele origin: germline.

ARUP Laboratories, Molecular Genetics and Genomics, ARUP Laboratories
Classification: Benign. Last evaluated: 2025-07-30. Review status: criteria provided, single submitter. Criteria: ARUP Molecular Germline Variant Investigation Process 2024. Collection method: clinical testing. Allele origin: germline.

Blueprint Genetics
Classification: Benign. Last evaluated: 2024-11-27. Review status: criteria provided, single submitter. Criteria: ACMG Guidelines, 2015. Collection method: clinical testing. Allele origin: germline.

Mayo Clinic Laboratories, Mayo Clinic
Classification: Benign. Last evaluated: 2023-01-04. Review status: criteria provided, single submitter. Criteria: ACMG Guidelines, 2015. Collection method: clinical testing. Allele origin: germline. Observed: 607 variant alleles.
Comment: BA1

Fulgent Genetics
Classification: Benign for Cataract 41; Type 2 diabetes mellitus; Wolfram syndrome 1; Autosomal dominant nonsyndromic hearing loss 6; Wolfram-like syndrome. Last evaluated: 2022-03-30. Review status: criteria provided, single submitter. Criteria: ACMG Guidelines, 2015. Collection method: clinical testing. Allele origin: unknown.

Illumina Laboratory Services, Illumina
Classification: Benign for WFS1-Related Spectrum Disorders. Last evaluated: 2018-03-06. Review status: criteria provided, single submitter. Criteria: ICSL Variant Classification Criteria 13 December 2019. Collection method: clinical testing. Allele origin: germline.
Comment: This variant was observed in the ICSL laboratory as part of a predisposition screen in an ostensibly healthy population. It had not been previously curated by ICSL or reported in the Human Gene Mutation Database (HGMD: prior to June 1st, 2018), and was therefore a candidate for classification through an automated scoring system. Utilizing variant allele frequency, disease prevalence and penetrance estimates, and inheritance mode, an automated score was calculated to assess if this variant is too frequent to cause the disease. Based on the score and internal cut-off values, a variant classified as benign is not then subjected to further curation. The score for this variant resulted in a classification of benign for this disease.

Illumina Laboratory Services, Illumina
Classification: Benign for Autosomal dominant nonsyndromic hearing loss 6. Last evaluated: 2018-03-06. Review status: criteria provided, single submitter. Criteria: ICSL Variant Classification Criteria 13 December 2019. Collection method: clinical testing. Allele origin: germline.
Comment: the same text as in the submission from Illumina Laboratory Services, Illumina above.

GeneDx
Classification: Benign. Last evaluated: 2015-03-03. Review status: criteria provided, single submitter. Criteria: GeneDx Variant Classification Process June 2021. Collection method: clinical testing. Allele origin: germline. Affected: yes.
Comment: This variant is associated with the following publications: (PMID: 31118516, 25740874, 29632382, 27398621, 21726277, 24464100, 21517693)

Eurofins Ntd Llc (ga)
Classification: Benign. Last evaluated: 2013-07-30. Review status: criteria provided, single submitter. Criteria: EGL Classification Definitions 2015. Collection method: clinical testing. Allele origin: germline. Observed: 49 variant alleles, 13 heterozygotes, 36 homozygotes.

Genetic Services Laboratory, University of Chicago
Classification: Benign for AllHighlyPenetrant. Last evaluated: 2013-06-27. Review status: criteria provided, single submitter. Criteria: ACMG Guidelines, 2007. Collection method: clinical testing. Allele origin: germline. Inheritance: Autosomal recessive inheritance.

Laboratory for Molecular Medicine, Mass General Brigham Personalized Medicine
Classification: Benign. Last evaluated: 2012-02-28. Review status: criteria provided, single submitter. Criteria: LMM Criteria. Collection method: clinical testing. Allele origin: germline. Observed: 1,488 variant alleles.

Breakthrough Genomics
Classification: Benign. Review status: criteria provided, single submitter. Criteria: ACMG Guidelines, 2015. Collection method: not provided. Allele origin: germline. Inheritance: Autosomal recessive inheritance. Affected: yes.

Clinical Genomics, Uppaluri K&H Personalized Medicine Clinic
Classification: Likely benign for Wolfram syndrome 1. Review status: criteria provided, single submitter. Criteria: K & H Uppaluri Personalized Medicine Clinic Variant Classification & Assertion Criteria_Updated V.1. Collection method: research. Allele origin: unknown. Inheritance: Autosomal recessive inheritance.
Comment: Mutations in WFS1 gene are associated with Wolfram's syndrome, an autosomal recessive condition, which cause diabetes mellitus, diabetes insipidus, deafness and optic atrophy. rs1801212 variant is also seen in patients with Diabetes Mellitus. However, the role of this particular variant is yet to be ascertained.

PreventionGenetics, part of Exact Sciences
Classification: Benign. Review status: criteria provided, single submitter. Criteria: ACMG Guidelines, 2015. Collection method: clinical testing. Allele origin: germline.

Clinical Genetics DNA and cytogenetics Diagnostics Lab, Erasmus MC, Erasmus Medical Center
Classification: Benign. Review status: no assertion criteria provided. Collection method: clinical testing. Allele origin: germline. Affected: yes. Study: VKGL Data-share Consensus. Not counted in ClinVar's aggregate classification.

Diagnostic Laboratory, Department of Genetics, University Medical Center Groningen
Classification: Benign. Review status: no assertion criteria provided. Collection method: clinical testing. Allele origin: germline. Affected: yes. Study: VKGL Data-share Consensus. Not counted in ClinVar's aggregate classification.

Joint Genome Diagnostic Labs from Nijmegen and Maastricht, Radboudumc and MUMC+
Classification: Benign. Review status: no assertion criteria provided. Collection method: clinical testing. Allele origin: germline. Affected: yes. Study: VKGL Data-share Consensus. Not counted in ClinVar's aggregate classification.

Literature cited by the submitters: PubMed 29632382 (cited by Clinical Genomics, Uppaluri K&H Personalized Medicine Clinic).

NM_006005.3(WFS1):c.997G>A (p.Val333Ile)

Gene: WFS1 (wolframin ER transmembrane glycoprotein; plus strand). Cytogenetic location: 4p16.1.
Variant type: single nucleotide variant.
Coding change: c.997G>A on transcript NM_006005.3 (MANE Select); coding-DNA position 997, G replaced by A.
Protein change: p.Val333Ile; replaces valine 333 with isoleucine.
Molecular consequence: missense variant.
Genome position (GRCh38, 1-based): chr4:6,300,792, G>A. VCF-style: chr4-6300792-G-A. GRCh37 (hg19) VCF-style: chr4-6302519-G-A.
Other names: c.997G>A, p.Val333Ile (NM_001145853.1); short protein forms V333I.
Identifiers: ClinVar variation 45463 (VCV000045463.50), dbSNP rs1801212, ClinGen allele CA136363.